The following is an entry in ClinVar:

NM_001378452.1(ITPR1):c.5794_5802del (p.Arg1932_Ala1934del)

Gene: ITPR1 (inositol 1,4,5-trisphosphate receptor type 1; plus strand). Cytogenetic location: 3p26.1.
Variant type: Deletion.
Coding change: c.5794_5802del on transcript NM_001378452.1 (MANE Select); coding-DNA positions 5794 to 5802, 9 bases deleted (AGGAAAGCC; older notation c.5794_5802delAGGAAAGCC).
Protein change: p.Arg1932_Ala1934del.
Molecular consequence: inframe deletion.
Genome position (GRCh38, 1-based): chr3:4,768,579-4,768,587, AGGAAAGCC deleted; deleting any 9 consecutive bases within chr3:4,768,577-4,768,587 gives the same sequence; the c. name uses the placement nearest the transcript's 3' end. VCF-style (leftmost placement, unchanged base first): chr3-4768576-ACCAGGAAAG-A. GRCh37 (hg19) VCF-style: chr3-4810260-ACCAGGAAAG-A.
Other names: c.5650_5658del, p.Arg1884_Ala1886del (NM_001099952.4); c.5749_5757del, p.Arg1917_Ala1919del (NM_001168272.2); c.5605_5613del, p.Arg1869_Ala1871del (NM_002222.7).
Identifiers: ClinVar variation 2772231 (VCV002772231.3), dbSNP rs2470044563, ClinGen allele CA2697550649.

ClinVar aggregate classification (germline): Uncertain significance (1 of 4 stars; one submission).

Submission:

Labcorp Genetics (formerly Invitae), Labcorp
Classification: Uncertain significance. Last evaluated: 2023-11-06. Review status: criteria provided, single submitter. Criteria: Invitae Variant Classification Sherloc (09022015). Collection method: clinical testing. Allele origin: germline.
Comment: This variant, c.5605_5613del, results in the deletion of 3 amino acid(s) of the ITPR1 protein (p.Arg1869_Ala1871del), but otherwise preserves the integrity of the reading frame. This variant is not present in population databases (gnomAD no frequency). This variant has not been reported in the literature in individuals affected with ITPR1-related conditions. In summary, the available evidence is currently insufficient to determine the role of this variant in disease. Therefore, it has been classified as a Variant of Uncertain Significance.